The following is an entry in ClinVar:

ClinVar aggregate classification (germline): Likely pathogenic (1 of 4 stars; one submission).

Conditions:
Intellectual developmental disorder, autosomal dominant 43. Also called: Intellectual disability, autosomal dominant 43. Identifiers: MedGen C4707429, MONDO:0014858, OMIM 616977.

Submission:

Juno Genomics, Hangzhou Juno Genomics, Inc
Classification: Likely pathogenic for Intellectual developmental disorder, autosomal dominant 43. Review status: criteria provided, single submitter. Criteria: ACMG Guidelines, 2015. Collection method: clinical testing. Allele origin: germline. Affected: yes.
Comment: Absent from controls (or at extremely low frequency if recessive) in Genome Aggregation Database, Exome Sequencing Project, 1000 Genomes Project, or Exome Aggregation Consortium.;Null variant in a gene where loss of function (LOF) is a known mechanism of disease.

NM_006734.4(HIVEP2):c.514C>T (p.Gln172Ter)

Gene: HIVEP2 (HIVEP zinc finger 2; minus strand). Cytogenetic location: 6q24.2.
Variant type: single nucleotide variant.
Coding change: c.514C>T on transcript NM_006734.4 (MANE Select); coding-DNA position 514, C replaced by T.
Protein change: p.Gln172Ter; replaces glutamine 172 with a stop codon.
Molecular consequence: nonsense.
Genome position (GRCh38, 1-based): chr6:142,774,225, G>A on the plus strand (C>T on the coding strand, the complement: HIVEP2 is on the minus strand). VCF-style: chr6-142774225-G-A. GRCh37 (hg19) VCF-style: chr6-143095362-G-A.
Other names: c.514C>T, p.Gln172Ter (NM_001438449.1, NM_001438450.1, NM_001438451.1); short protein forms Q172*.
Identifiers: ClinVar variation 4531270 (VCV004531270.1).
Genomic context (GRCh38, chr6:142,774,225, plus strand): 5'-GGCAAATGTACTTGCCAGGCTTTTTGGGTTTGTGCTCTTTCTTGTGAGCCTCTTCTGCCT[G>A]TTCAATACTTTTCTGGGAGTATTGGCTATAAGCAGGGTTCAGACTTGAAATCTTTTTTCT-3'